The following is an entry in ClinVar:

ClinVar aggregate classification (germline): Uncertain significance (1 of 4 stars; one submission).

Submission:

GeneDx
Classification: Uncertain significance. Last evaluated: 2019-09-09. Review status: criteria provided, single submitter. Criteria: GeneDx Variant Classification Process June 2021. Collection method: clinical testing. Allele origin: germline. Affected: yes.
Comment: Not observed in large population cohorts (Lek et al., 2016); In silico analysis, which includes splice predictors and evolutionary conservation, supports a deleterious effect; Has not been previously published as pathogenic or benign to our knowledge

NM_152743.4(BRAT1):c.957C>A (p.Val319=)

Gene: BRAT1 (BRCA1 associated ATM activator 1; minus strand). Cytogenetic location: 7p22.3.
Variant type: single nucleotide variant.
Coding change: c.957C>A on transcript NM_152743.4 (MANE Select); coding-DNA position 957, C replaced by A.
Protein change: p.Val319=; no amino-acid change (valine 319 retained).
Molecular consequence: synonymous variant. On other transcripts: non-coding transcript variant (1).
Genome position (GRCh38, 1-based): chr7:2,542,178, G>T on the plus strand (C>A on the coding strand, the complement: BRAT1 is on the minus strand). VCF-style: chr7-2542178-G-T. GRCh37 (hg19) VCF-style: chr7-2581812-G-T.
Other names: c.957C>A, p.Val319= (NM_001350626.2); c.432C>A, p.Val144= (NM_001350627.2).
Identifiers: ClinVar variation 1311070 (VCV001311070.2), dbSNP rs1779227281, ClinGen allele CA453455316.